The following is an entry in ClinVar:

ClinVar aggregate classification (germline): Likely benign (1 of 4 stars; one submission).

Allele frequency attached by ClinVar (database versions not stated): 1000 Genomes Project 30x 0.01936; 1000 Genomes Project 0.02097; TOPMed 0.02700; gnomAD 0.02733 and 0.02763.
gnomAD v4.1: 4,263 of 152,330 alleles (2.8%); highest among the groups gnomAD compares: Middle Eastern, 5.1%; 86 homozygotes.

Submission:

GeneDx
Classification: Likely benign. Last evaluated: 2018-06-16. Review status: criteria provided, single submitter. Criteria: GeneDx Variant Classification (06012015). Collection method: clinical testing. Allele origin: germline. Affected: yes.
Comment: This variant is considered likely benign or benign based on one or more of the following criteria: it is a conservative change, it occurs at a poorly conserved position in the protein, it is predicted to be benign by multiple in silico algorithms, and/or has population frequency not consistent with disease.

NM_001244008.2(KIF1A):c.5215-234C>T

Gene: KIF1A (kinesin family member 1A; minus strand). Cytogenetic location: 2q37.3.
Variant type: single nucleotide variant.
Coding change: c.5215-234C>T on transcript NM_001244008.2 (MANE Select); 234 bases into the intron before coding-DNA position 5215, C replaced by T.
Molecular consequence: intron variant.
Genome position (GRCh38, 1-based): chr2:240,718,402, G>A on the plus strand (C>T on the coding strand, the complement: KIF1A is on the minus strand). VCF-style: chr2-240718402-G-A. GRCh37 (hg19) VCF-style: chr2-241657819-G-A.
Other names: c.4912-234C>T (NM_001379653.1, NM_001379650.1, NM_004321.8 and 1 more transcripts); c.5188-234C>T (NM_001379645.1, NM_001379633.1); c.5038-234C>T (NM_001379635.1, NM_001379646.1); c.4909-234C>T (NM_001379640.1); c.4876-234C>T (NM_001379641.1); c.4936-234C>T (NM_001379639.1); c.4939-234C>T (NM_001379649.1, NM_001320705.2); c.5026-234C>T (NM_001379636.1); and 8 more.
Identifiers: ClinVar variation 672501 (VCV000672501.1), dbSNP rs114108873, ClinGen allele CA68132104.